The following is an entry in ClinVar:

NM_001165963.4(SCN1A):c.2851del (p.Glu951fs)

Gene: SCN1A (sodium voltage-gated channel alpha subunit 1; minus strand). Cytogenetic location: 2q24.3.
Variant type: Deletion.
Coding change: c.2851del on transcript NM_001165963.4 (MANE Select); coding-DNA position 2851, one base deleted (G; older notation c.2851delG).
Protein change: p.Glu951fs; shifts the reading frame from glutamic acid 951.
Molecular consequence: frameshift variant. On other transcripts: non-coding transcript variant (1).
Genome position (GRCh38, 1-based): chr2:166,037,871, C deleted on the plus strand (G on the coding strand, the reverse complement: SCN1A is on the minus strand); the first of 4 consecutive C bases (chr2:166,037,871-166,037,874); deleting any one gives the same sequence. VCF-style (leftmost placement, unchanged base first): chr2-166037870-TC-T. GRCh37 (hg19) VCF-style: chr2-166894380-TC-T.
Other names: c.2767del, p.Glu923fs (NM_001165964.3, NM_001353957.2, NM_001353958.2); c.2851del, p.Glu951fs (NM_001202435.3, NM_001353948.2); c.2818del, p.Glu940fs (NM_001353949.2, NM_001353950.2, NM_001353951.2 and 2 more transcripts); c.2815del, p.Glu939fs (NM_001353954.2, NM_001353955.2); c.2764del, p.Glu922fs (NM_001353960.2); c.409del, p.Glu137fs (NM_001353961.2); short protein forms E922fs, E951fs, E923fs, E939fs, E940fs, E137fs.
Identifiers: ClinVar variation 280877 (VCV000280877.5), dbSNP rs886042004, ClinGen allele CA10602810.

ClinVar aggregate classification (germline): Pathogenic. Review status: criteria provided, multiple submitters, no conflicts (2 of 4 stars). 2 submissions from 2 submitters: Pathogenic (2). Last evaluated 2023-01-24.

Conditions:
Early-infantile DEE. Also called: Early infantile epileptic encephalopathy with suppression bursts; Ohtahara syndrome; Early infantile epileptic encephalopathy. Identifiers: Orphanet 1934, MedGen C0393706, MONDO:0800491.

Submissions (2):

Labcorp Genetics (formerly Invitae), Labcorp
Classification: Pathogenic for Early-infantile DEE. Last evaluated: 2023-01-24. Review status: criteria provided, single submitter. Criteria: Invitae Variant Classification Sherloc (09022015). Collection method: clinical testing. Allele origin: germline.
Comment: For these reasons, this variant has been classified as Pathogenic. ClinVar contains an entry for this variant (Variation ID: 280877). This variant has not been reported in the literature in individuals affected with SCN1A-related conditions. This variant is not present in population databases (gnomAD no frequency). This sequence change creates a premature translational stop signal (p.Glu951Serfs*3) in the SCN1A gene. It is expected to result in an absent or disrupted protein product. Loss-of-function variants in SCN1A are known to be pathogenic (PMID: 17347258, 18930999).

GeneDx
Classification: Pathogenic. Last evaluated: 2016-09-19. Review status: criteria provided, single submitter. Criteria: GeneDx Variant Classification (06012015). Collection method: clinical testing. Allele origin: germline. Affected: yes.
Comment: The c.2851delG variant in the SCN1A gene has not been reported previously as a pathogenic variant nor as a benign variant, to our knowledge. The c.2851delG variant causes a frameshift starting with codon Glutamic Acid 951, changes this amino acid to a Serine residue, and creates a premature Stop codon at position 3 of the new reading frame, denoted p.Glu951SerfsX3. This variant is predicted to cause loss of normal protein function either through protein truncation or nonsense-mediated mRNA decay. The c.2851delG variant was not observed in approximately 6500 individuals of European and African American ancestry in the NHLBI Exome Sequencing Project, indicating it is not a common benign variant in these populations. We interpret c.2851delG as a pathogenic variant.

Literature cited by the submitters: PubMed 17347258 (cited by Labcorp Genetics (formerly Invitae), Labcorp); PubMed 18930999 (cited by Labcorp Genetics (formerly Invitae), Labcorp).